The following is an entry in ClinVar:

ClinVar aggregate classification (germline): Uncertain significance. Review status: criteria provided, multiple submitters, no conflicts (2 of 4 stars). 2 submissions from 2 submitters: Uncertain significance (2). Last evaluated 2023-10-18.

Allele frequency attached by ClinVar (database versions not stated): TOPMed 0.00002; gnomAD exomes 0.00003; ExAC 0.00010.

Submissions (2):

Labcorp Genetics (formerly Invitae), Labcorp
Classification: Uncertain significance. Last evaluated: 2023-10-18. Review status: criteria provided, single submitter. Criteria: Invitae Variant Classification Sherloc (09022015). Collection method: clinical testing. Allele origin: germline.
Comment: This sequence change replaces arginine, which is basic and polar, with cysteine, which is neutral and slightly polar, at codon 829 of the KIF20A protein (p.Arg829Cys). This variant is present in population databases (rs752376351, gnomAD 0.02%). This variant has not been reported in the literature in individuals affected with KIF20A-related conditions. An algorithm developed to predict the effect of missense changes on protein structure and function (PolyPhen-2) suggests that this variant is likely to be disruptive. In summary, the available evidence is currently insufficient to determine the role of this variant in disease. Therefore, it has been classified as a Variant of Uncertain Significance.

Ambry Genetics
Classification: Uncertain significance. Last evaluated: 2023-08-05. Review status: criteria provided, single submitter. Criteria: Ambry Variant Classification Scheme 2023. Collection method: clinical testing. Allele origin: germline.

NM_005733.3(KIF20A):c.2485C>T (p.Arg829Cys)

Gene: KIF20A (kinesin family member 20A; plus strand). Cytogenetic location: 5q31.2.
Variant type: single nucleotide variant.
Coding change: c.2485C>T on transcript NM_005733.3 (MANE Select); coding-DNA position 2485, C replaced by T.
Protein change: p.Arg829Cys; replaces arginine 829 with cysteine.
Molecular consequence: missense variant.
Genome position (GRCh38, 1-based): chr5:138,187,225, C>T. VCF-style: chr5-138187225-C-T. GRCh37 (hg19) VCF-style: chr5-137522914-C-T.
Other names: short protein forms R829C.
Identifiers: ClinVar variation 2602519 (VCV002602519.5), dbSNP rs752376351, ClinGen allele CA3426929.